The following is an entry in ClinVar:

ClinVar aggregate classification (germline): Uncertain significance (1 of 4 stars; one submission).

Conditions:
Metachromatic leukodystrophy (MLD). Also called: Arylsulfatase A Deficiency; Cerebral sclerosis diffuse metachromatic form; ARSA DEFICIENCY; CEREBROSIDE SULFATASE DEFICIENCY; METACHROMATIC LEUKOENCEPHALOPATHY; SULFATIDE LIPIDOSIS. Identifiers: Orphanet 512, MedGen C0023522, MONDO:0018868, OMIM 250100.

Submission:

Labcorp Genetics (formerly Invitae), Labcorp
Classification: Uncertain significance for Metachromatic leukodystrophy. Last evaluated: 2021-12-16. Review status: criteria provided, single submitter. Criteria: Invitae Variant Classification Sherloc (09022015). Collection method: clinical testing. Allele origin: germline.
Comment: In summary, the available evidence is currently insufficient to determine the role of this variant in disease. Therefore, it has been classified as a Variant of Uncertain Significance. Advanced modeling of protein sequence and biophysical properties (such as structural, functional, and spatial information, amino acid conservation, physicochemical variation, residue mobility, and thermodynamic stability) performed at Invitae indicates that this missense variant is expected to disrupt ARSA protein function. This missense change has been observed in individual(s) with leukodystrophy (Invitae). In at least one individual the data is consistent with being in trans (on the opposite chromosome) from a pathogenic variant. This variant is not present in population databases (gnomAD no frequency). This sequence change replaces glutamine, which is neutral and polar, with arginine, which is basic and polar, at codon 488 of the ARSA protein (p.Gln488Arg).

NM_000487.6(ARSA):c.1463A>G (p.Gln488Arg)

Gene: ARSA (arylsulfatase A; minus strand). Cytogenetic location: 22q13.33.
Variant type: single nucleotide variant.
Coding change: c.1463A>G on transcript NM_000487.6 (MANE Select); coding-DNA position 1463, A replaced by G.
Protein change: p.Gln488Arg; replaces glutamine 488 with arginine.
Molecular consequence: missense variant.
Genome position (GRCh38, 1-based): chr22:50,625,212, T>C on the plus strand (A>G on the coding strand, the complement: ARSA is on the minus strand). VCF-style: chr22-50625212-T-C. GRCh37 (hg19) VCF-style: chr22-51063640-T-C.
Other names: c.1463A>G, p.Gln488Arg (NM_001085425.3, NM_001085426.3, NM_001085427.3); c.1205A>G, p.Gln402Arg (NM_001085428.3, NM_001362782.2); short protein forms Q402R, Q488R.
Identifiers: ClinVar variation 1477714 (VCV001477714.6), dbSNP rs2146715572, ClinGen allele CA412167280.